The following is an entry in ClinVar:

NM_001079872.2(CUL4B):c.920+9G>A

Gene: CUL4B (cullin 4B; minus strand). Cytogenetic location: Xq24.
Variant type: single nucleotide variant.
Coding change: c.920+9G>A on transcript NM_001079872.2 (MANE Select); 9 bases into the intron after coding-DNA position 920, G replaced by A.
Molecular consequence: intron variant.
Genome position (GRCh38, 1-based): chrX:120,545,435, C>T on the plus strand (G>A on the coding strand, the complement: CUL4B is on the minus strand). VCF-style: chrX-120545435-C-T. GRCh37 (hg19) VCF-style: chrX-119679290-C-T.
Other names: c.974+9G>A (NM_003588.4); c.935+9G>A (NM_001330624.2); c.386+9G>A (NM_001369145.1).
Identifiers: ClinVar variation 2440625 (VCV002440625.9), dbSNP rs375607970, ClinGen allele CA10505614.

ClinVar aggregate classification (germline): Conflicting classifications of pathogenicity. Review status: criteria provided, conflicting classifications (1 of 4 stars). 4 submissions from 4 submitters: Uncertain significance (1); Likely benign (2). 1 of the submissions does not count toward it. Last evaluated 2024-07-29.

Conditions:
X-linked intellectual disability Cabezas type (MRXSC). Also called: CABEZAS SYNDROME; MENTAL RETARDATION, X-LINKED, SYNDROMIC 15; Intellectual developmental disorder, X-linked syndromic, Cabezas type. Identifiers: Orphanet 85289, Orphanet 85293, MedGen C1845861, MONDO:0010306, OMIM 300354.
CUL4B-related disorder. Also called: CUL4B-related condition.

Allele frequency attached by ClinVar (database versions not stated): ExAC 0.00004; gnomAD 0.00005; TOPMed 0.00005; ESP Exome Variant Server 0.00010.
gnomAD v4.1: 31 of 1,130,782 alleles (0.0027%); highest among the groups gnomAD compares: Middle Eastern, 0.024%; no homozygotes.

Submissions (4):

Blueprint Genetics
Classification: Likely benign. Last evaluated: 2024-07-29. Review status: criteria provided, single submitter. Criteria: ACMG Guidelines, 2015. Collection method: clinical testing. Allele origin: germline.

Labcorp Genetics (formerly Invitae), Labcorp
Classification: Likely benign for X-linked intellectual disability Cabezas type. Last evaluated: 2023-03-12. Review status: criteria provided, single submitter. Criteria: Invitae Variant Classification Sherloc (09022015). Collection method: clinical testing. Allele origin: germline.

Revvity Omics, Revvity
Classification: Uncertain significance for X-linked intellectual disability Cabezas type. Last evaluated: 2022-02-11. Review status: criteria provided, single submitter. Criteria: ACMG Guidelines, 2015. Collection method: clinical testing. Allele origin: germline.

PreventionGenetics, part of Exact Sciences
Classification: Likely benign for CUL4B-related condition. Last evaluated: 2022-05-25. Review status: no assertion criteria provided. Collection method: clinical testing. Allele origin: germline. Not counted in ClinVar's aggregate classification.
Comment: This variant is classified as likely benign based on ACMG/AMP sequence variant interpretation guidelines (Richards et al. 2015 PMID: 25741868, with internal and published modifications).